The following is an entry in ClinVar:

NM_007294.4(BRCA1):c.2025A>C (p.Ala675=)

Gene: BRCA1 (BRCA1 DNA repair associated; minus strand). Cytogenetic location: 17q21.31.
Variant type: single nucleotide variant.
Coding change: c.2025A>C on transcript NM_007294.4 (MANE Select); coding-DNA position 2025, A replaced by C.
Protein change: p.Ala675=; no amino-acid change (alanine 675 retained).
Molecular consequence: synonymous variant. On other transcripts: intron variant (137).
Genome position (GRCh38, 1-based): chr17:43,093,506, T>G on the plus strand (A>C on the coding strand, the complement: BRCA1 is on the minus strand). VCF-style: chr17-43093506-T-G. GRCh37 (hg19) VCF-style: chr17-41245523-T-G.
Other names: c.784+1238A>C (NM_001408401.1, NM_001408396.1, NM_001407985.1 and 13 more transcripts); c.548-2474A>C (NM_001408494.1); c.664+1238A>C (NM_001408444.1, NM_001408438.1, NM_001408430.1 and 12 more transcripts); c.670+2340A>C (NM_001408423.1, NM_001408420.1, NM_001408419.1 and 2 more transcripts); c.787+1238A>C (NM_001408404.1, NM_001408472.1, NM_001407990.1 and 19 more transcripts); c.577+1238A>C (NM_001408492.1, NM_001408513.1, NM_001408489.1 and 9 more transcripts); c.643+1238A>C (NM_001408468.1, NM_001408465.1, NM_001408463.1 and 3 more transcripts); c.523+1238A>C (NM_001408501.1, NM_001408500.1, NM_001408497.1 and 3 more transcripts); and 40 more.
Identifiers: ClinVar variation 1177255 (VCV001177255.2), dbSNP rs2154403291, ClinGen allele CA500233114.

ClinVar aggregate classification (germline): Likely benign (1 of 4 stars; one submission).

Submission:

Women's Health and Genetics/Laboratory Corporation of America, LabCorp
Classification: Likely benign. Last evaluated: 2021-07-03. Review status: criteria provided, single submitter. Criteria: LabCorp Variant Classification Summary - May 2015. Collection method: clinical testing. Allele origin: germline.
Comment: Variant summary: BRCA1 c.2025A>C alters a non-conserved nucleotide resulting in a synonymous change. 4/4 computational tools predict no significant impact on normal splicing. However, these predictions have yet to be confirmed by functional studies. The variant was absent in 251268 control chromosomes. The available data on variant occurrences in the general population are insufficient to allow any conclusion about variant significance. To our knowledge, no occurrence of c.2025A>C in individuals affected with Hereditary Breast And Ovarian Cancer Syndrome and no experimental evidence demonstrating its impact on protein function have been reported. No clinical diagnostic laboratories have submitted clinical-significance assessments for this variant to ClinVar after 2014. Based on the evidence outlined above, the variant was classified as likely benign.